The following is an entry in ClinVar:

ClinVar aggregate classification (germline): Conflicting classifications of pathogenicity. Review status: criteria provided, conflicting classifications (1 of 4 stars). 6 submissions from 6 submitters: Uncertain significance (1); Likely benign (5). Last evaluated 2025-11-26.

Conditions:
Autosomal recessive limb-girdle muscular dystrophy type 2J (LGMDR10). Also called: Limb-girdle muscular dystrophy, type 2J; MUSCULAR DYSTROPHY, LIMB-GIRDLE, AUTOSOMAL RECESSIVE 10. Identifiers: Orphanet 140922, MedGen C1837342, MONDO:0012127, OMIM 608807.
Dilated cardiomyopathy 1G (CMD1G). Identifiers: Orphanet 154, MedGen C1858763, MONDO:0011400, OMIM 604145.
Cardiovascular phenotype. Identifiers: MedGen CN230736.

Allele frequency attached by ClinVar (database versions not stated): ExAC 0.00007; gnomAD exomes 0.00007 and 0.00005; ESP Exome Variant Server 0.00008; 1000 Genomes Project 30x 0.00016; 1000 Genomes Project 0.00020; gnomAD 0.00004; TOPMed 0.00006.
gnomAD v4.1: 84 of 1,613,808 alleles (0.0052%); highest among the groups gnomAD compares: East Asian, 0.022%; no homozygotes.

Submissions (6):

Labcorp Genetics (formerly Invitae), Labcorp
Classification: Likely benign for Dilated cardiomyopathy 1G; Autosomal recessive limb-girdle muscular dystrophy type 2J. Last evaluated: 2025-11-26. Review status: criteria provided, single submitter. Criteria: Invitae Variant Classification Sherloc (09022015). Collection method: clinical testing. Allele origin: germline.

Women's Health and Genetics/Laboratory Corporation of America, LabCorp
Classification: Likely benign. Last evaluated: 2021-10-30. Review status: criteria provided, single submitter. Criteria: LabCorp Variant Classification Summary - May 2015. Collection method: clinical testing. Allele origin: germline.

Ambry Genetics
Classification: Likely benign for Cardiovascular phenotype. Last evaluated: 2020-02-11. Review status: criteria provided, single submitter. Criteria: Ambry Variant Classification Scheme 2023. Collection method: clinical testing. Allele origin: germline.

Eurofins Ntd Llc (ga)
Classification: Uncertain significance. Last evaluated: 2018-07-12. Review status: criteria provided, single submitter. Criteria: EGL ClinVar v180209 classification definitions. Collection method: clinical testing. Allele origin: germline. Observed: 1 variant allele, 1 heterozygote.

CeGaT Center for Human Genetics Tuebingen
Classification: Likely benign. Last evaluated: 2018-01-01. Review status: criteria provided, single submitter. Criteria: CeGaT Center For Human Genetics Tuebingen Variant Classification Criteria Version 2. Collection method: clinical testing. Allele origin: germline. Affected: yes. Observed: 1 variant allele.

GeneDx
Classification: Likely benign. Last evaluated: 2016-11-15. Review status: criteria provided, single submitter. Criteria: GeneDx Variant Classification (06012015). Collection method: clinical testing. Allele origin: germline. Affected: yes.
Comment: This variant is considered likely benign or benign based on one or more of the following criteria: it is a conservative change, it occurs at a poorly conserved position in the protein, it is predicted to be benign by multiple in silico algorithms, and/or has population frequency not consistent with disease.

NM_001267550.2(TTN):c.87495C>T (p.Asp29165=)

Genes: TTN (titin; minus strand), TTN-AS1 (TTN antisense RNA 1; plus strand). Cytogenetic location: 2q31.2.
Variant type: single nucleotide variant.
Coding change: c.87495C>T on transcript NM_001267550.2 (MANE Select); coding-DNA position 87495, C replaced by T.
Protein change: p.Asp29165=; no amino-acid change (aspartic acid 29165 retained).
Molecular consequence: synonymous variant.
Genome position (GRCh38, 1-based): chr2:178,557,859, G>A on the plus strand (C>T on the coding strand, the complement: TTN is on the minus strand). VCF-style: chr2-178557859-G-A. GRCh37 (hg19) VCF-style: chr2-179422586-G-A.
Other names: c.82572C>T, p.Asp27524= (NM_001256850.1); c.60300C>T, p.Asp20100= (NM_003319.4); c.79791C>T, p.Asp26597= (NM_133378.4); c.60675C>T, p.Asp20225= (NM_133432.3); c.60876C>T, p.Asp20292= (NM_133437.4).
Identifiers: ClinVar variation 390758 (VCV000390758.60), dbSNP rs371763584, ClinGen allele CA1988312.